The following is an entry in ClinVar:

ClinVar aggregate classification (germline): Uncertain significance (1 of 4 stars; one submission).

Conditions:
Breast-ovarian cancer, familial, susceptibility to, 4. Identifiers: Orphanet 145, MedGen C3280345, MONDO:0013669, OMIM 614291.

Submission:

Labcorp Genetics (formerly Invitae), Labcorp
Classification: Uncertain significance for Breast-ovarian cancer, familial, susceptibility to, 4. Last evaluated: 2020-11-16. Review status: criteria provided, single submitter. Criteria: Invitae Variant Classification Sherloc (09022015). Collection method: clinical testing. Allele origin: germline.
Comment: In summary, the available evidence is currently insufficient to determine the role of this variant in disease. Therefore, it has been classified as a Variant of Uncertain Significance. Algorithms developed to predict the effect of missense changes on protein structure and function (SIFT, PolyPhen-2, Align-GVGD) all suggest that this variant is likely to be tolerated, but these predictions have not been confirmed by published functional studies and their clinical significance is uncertain. This variant has not been reported in the literature in individuals with RAD51D-related conditions. This variant is not present in population databases (ExAC no frequency). This sequence change replaces glycine with arginine at codon 195 of the RAD51D protein (p.Gly195Arg). The glycine residue is weakly conserved and there is a moderate physicochemical difference between glycine and arginine.

NM_002878.4(RAD51D):c.583G>C (p.Gly195Arg)

Genes: RAD51L3-RFFL (RAD51L3-RFFL readthrough; minus strand), RAD51D (RAD51 paralog D; minus strand). Cytogenetic location: 17q12.
Variant type: single nucleotide variant.
Coding change: c.583G>C on transcript NM_002878.4 (MANE Select); coding-DNA position 583, G replaced by C.
Protein change: p.Gly195Arg; replaces glycine 195 with arginine.
Molecular consequence: missense variant. On other transcripts: non-coding transcript variant (3).
Genome position (GRCh38, 1-based): chr17:35,103,538, C>G on the plus strand (G>C on the coding strand, the complement: RAD51D is on the minus strand). VCF-style: chr17-35103538-C-G. GRCh37 (hg19) VCF-style: chr17-33430557-C-G.
Other names: c.643G>C, p.Gly215Arg (NM_001142571.2); c.247G>C, p.Gly83Arg (NM_133629.3); short protein forms G215R, G195R, G83R.
Identifiers: ClinVar variation 1470335 (VCV001470335.8), dbSNP rs1567726625, ClinGen allele CA399087987.